The following is an entry in ClinVar:

ClinVar aggregate classification (germline): Likely pathogenic (1 of 4 stars; one submission).

Conditions:
Spastic paraplegia. Identifiers: MedGen C0037772, HP:0001258.

Allele frequency attached by ClinVar (database versions not stated): gnomAD exomes below 0.00001; ExAC 0.00001.
gnomAD v4.1: 1 of 1,614,050 alleles (0.000062%); highest among the groups gnomAD compares: South Asian, 0.0011%; no homozygotes.

Submission:

Labcorp Genetics (formerly Invitae), Labcorp
Classification: Likely pathogenic for Spastic paraplegia. Last evaluated: 2021-07-25. Review status: criteria provided, single submitter. Criteria: Invitae Variant Classification Sherloc (09022015). Collection method: clinical testing. Allele origin: germline.
Comment: This sequence change affects a donor splice site in intron 5 of the ZFYVE26 gene. It is expected to disrupt RNA splicing. Variants that disrupt the donor or acceptor splice site typically lead to a loss of protein function (PMID: 16199547), and loss-of-function variants in ZFYVE26 are known to be pathogenic (PMID: 18394578, 19805727). This variant is present in population databases (rs752618765, ExAC 0.006%). This variant has not been reported in the literature in individuals affected with ZFYVE26-related conditions. Algorithms developed to predict the effect of sequence changes on RNA splicing suggest that this variant may disrupt the consensus splice site. In summary, the currently available evidence indicates that the variant is pathogenic, but additional data are needed to prove that conclusively. Therefore, this variant has been classified as Likely Pathogenic.

Literature cited by the submitters: PubMed 16199547; PubMed 18394578; PubMed 19805727.

NM_015346.4(ZFYVE26):c.886+1G>T

Gene: ZFYVE26 (zinc finger FYVE-type containing 26; minus strand). Cytogenetic location: 14q24.1.
Variant type: single nucleotide variant.
Coding change: c.886+1G>T on transcript NM_015346.4 (MANE Select); the canonical splice donor site of the intron after coding-DNA position 886, G replaced by T.
Molecular consequence: splice donor variant.
Genome position (GRCh38, 1-based): chr14:67,807,397, C>A on the plus strand (G>T on the coding strand, the complement: ZFYVE26 is on the minus strand). VCF-style: chr14-67807397-C-A. GRCh37 (hg19) VCF-style: chr14-68274114-C-A.
Identifiers: ClinVar variation 1349158 (VCV001349158.6), dbSNP rs752618765, ClinGen allele CA7240678.